The following is an entry in ClinVar:

ClinVar aggregate classification (germline): Uncertain significance (1 of 4 stars; one submission).

Allele frequency attached by ClinVar (database versions not stated): gnomAD exomes 0.00002; ExAC 0.00003; gnomAD 0.00003; TOPMed 0.00004.
gnomAD v4.1: 10 of 1,613,928 alleles (0.00062%); highest among the groups gnomAD compares: African/African-American, 0.0093%; no homozygotes.

Submission:

Labcorp Genetics (formerly Invitae), Labcorp
Classification: Uncertain significance. Last evaluated: 2022-07-05. Review status: criteria provided, single submitter. Criteria: Invitae Variant Classification Sherloc (09022015). Collection method: clinical testing. Allele origin: germline.
Comment: In summary, the available evidence is currently insufficient to determine the role of this variant in disease. Therefore, it has been classified as a Variant of Uncertain Significance. Advanced modeling of protein sequence and biophysical properties (such as structural, functional, and spatial information, amino acid conservation, physicochemical variation, residue mobility, and thermodynamic stability) performed at Invitae indicates that this missense variant is not expected to disrupt COMP protein function. ClinVar contains an entry for this variant (Variation ID: 1478234). This variant has not been reported in the literature in individuals affected with COMP-related conditions. This variant is present in population databases (rs750428025, gnomAD 0.03%). This sequence change replaces glutamic acid, which is acidic and polar, with lysine, which is basic and polar, at codon 341 of the COMP protein (p.Glu341Lys).

NM_000095.3(COMP):c.1021G>A (p.Glu341Lys)

Gene: COMP (cartilage oligomeric matrix protein; minus strand). Cytogenetic location: 19p13.11.
Variant type: single nucleotide variant.
Coding change: c.1021G>A on transcript NM_000095.3 (MANE Select); coding-DNA position 1021, G replaced by A.
Protein change: p.Glu341Lys; replaces glutamic acid 341 with lysine.
Molecular consequence: missense variant.
Genome position (GRCh38, 1-based): chr19:18,787,605, C>T on the plus strand (G>A on the coding strand, the complement: COMP is on the minus strand). VCF-style: chr19-18787605-C-T. GRCh37 (hg19) VCF-style: chr19-18898414-C-T.
Other names: short protein forms E341K.
Identifiers: ClinVar variation 1478234 (VCV001478234.6), dbSNP rs750428025, ClinGen allele CA9316558.
Genomic context (GRCh38, chr19:18,787,605, plus strand): 5'-CCTTTTGGTCGTCGTTCTTCTGGGACCGGCAGTTGTCGCACGCATCGCCCCACTTGTCCT[C>T]GTCCGTGTTGCGCTGGTCTGGGTTCCGCACCAGCGGGCAGTTGTCCTGGATGACAGGGTG-3'
Protein context (NP_000086.2, residues 331-351): VRNPDQRNTD[Glu341Lys]DKWGDACDNC